The following is an entry in ClinVar:

NM_001165963.4(SCN1A):c.568T>C (p.Trp190Arg)

Gene: SCN1A (sodium voltage-gated channel alpha subunit 1; minus strand). Cytogenetic location: 2q24.3.
Variant type: single nucleotide variant.
Coding change: c.568T>C on transcript NM_001165963.4 (MANE Select); coding-DNA position 568, T replaced by C.
Protein change: p.Trp190Arg; replaces tryptophan 190 with arginine.
Molecular consequence: missense variant. On other transcripts: 5 prime UTR variant (1), non-coding transcript variant (1).
Genome position (GRCh38, 1-based): chr2:166,054,672, A>G on the plus strand (T>C on the coding strand, the complement: SCN1A is on the minus strand). VCF-style: chr2-166054672-A-G. GRCh37 (hg19) VCF-style: chr2-166911182-A-G.
Other names: c.568T>C, p.Trp190Arg (NM_001165964.3, NM_001202435.3, NM_001353948.2 and 10 more transcripts); c.-1858T>C (NM_001353961.2); short protein forms W190R.
Identifiers: ClinVar variation 68668 (VCV000068668.8), dbSNP rs121918773, ClinGen allele CA285246.

ClinVar aggregate classification (germline): Pathogenic. Review status: criteria provided, multiple submitters, no conflicts (2 of 4 stars). 4 submissions from 4 submitters: Pathogenic (3). 1 of the submissions does not count toward it. Last evaluated 2025-03-20.

Conditions:
Early-infantile DEE. Also called: Early infantile epileptic encephalopathy; Early infantile epileptic encephalopathy with suppression bursts; Ohtahara syndrome. Identifiers: Orphanet 1934, MedGen C0393706, MONDO:0800491.
Severe myoclonic epilepsy in infancy (DRVT). Also called: SEVERE MYOCLONIC EPILEPSY OF INFANCY; DEVELOPMENTAL AND EPILEPTIC ENCEPHALOPATHY 6A; Severe Myoclonic Epilepsy in Infancy (SMEI); Dravet syndrome; Epileptic encephalopathy, early infantile, 6 (Dravet syndrome). Identifiers: Orphanet 33069, MedGen C0751122, MONDO:0100135, OMIM 607208.

Submissions (4):

Labcorp Genetics (formerly Invitae), Labcorp
Classification: Pathogenic for Early-infantile DEE. Last evaluated: 2025-03-20. Review status: criteria provided, single submitter. Criteria: Invitae Variant Classification Sherloc (09022015). Collection method: clinical testing. Allele origin: germline.
Comment: This sequence change replaces tryptophan, which is neutral and slightly polar, with arginine, which is basic and polar, at codon 190 of the SCN1A protein (p.Trp190Arg). This variant is not present in population databases (gnomAD no frequency). This missense change has been observed in individual(s) with SCN1A-related conditions (PMID: 14738421, 30868114). In at least one individual the variant was observed to be de novo. ClinVar contains an entry for this variant (Variation ID: 68668). Invitae Evidence Modeling of protein sequence and biophysical properties (such as structural, functional, and spatial information, amino acid conservation, physicochemical variation, residue mobility, and thermodynamic stability) indicates that this missense variant is expected to disrupt SCN1A protein function with a positive predictive value of 95%. For these reasons, this variant has been classified as Pathogenic.

Neurogenetics Laboratory - MEYER, AOU Meyer
Classification: Pathogenic for Severe myoclonic epilepsy in infancy. Last evaluated: 2016-11-16. Review status: criteria provided, single submitter. Criteria: ACMG Guidelines, 2015. Collection method: clinical testing. Allele origin: unknown. Affected: yes. Observed: 1 heterozygote.

Center for Bioinformatics, Peking University
Classification: Pathogenic for Dravet syndrome. Last evaluated: 2014-12-20. Review status: criteria provided, single submitter. Criteria: Xu et al. (Hum Mutat. 2015). Collection method: research. Allele origin: inherited. Affected: yes. Observed: 2 variant alleles. Study: University Clinical Cooperation “985 Project” PKU-2014-1-1.
Comment: Dravet syndrome (DS) probands were recruited from the outpatient and inpatient child neurology units of Peking University First Hospital from 2005 till present. The study was approved by the Ethics Committee of Peking University First Hospital and the Institutional Review Board at Peking University. Participants or their parents provided written informed consent before enrollment. We collected a total of 267 mutations from 255 families with probands diagnosed with DS in China. All probands fulfilled the clinical diagnostic criteria.

UniProtKB/Swiss-Prot
No classification provided. Condition: Severe myoclonic epilepsy in infancy. Review status: no classification provided. Collection method: not provided. Allele origin: not provided. Not counted in ClinVar's aggregate classification.

Literature cited by the submitters: PubMed 14738421 (cited by Labcorp Genetics (formerly Invitae), Labcorp); PubMed 30868114 (cited by Labcorp Genetics (formerly Invitae), Labcorp).